The following is an entry in ClinVar:

ClinVar aggregate classification (germline): Uncertain significance (1 of 4 stars; one submission).

Conditions:
Progressive encephalopathy with leukodystrophy due to DECR deficiency. Identifiers: Orphanet 431361, MedGen C1857252, MONDO:0014464, OMIM 616034.

Allele frequency attached by ClinVar (database versions not stated): TOPMed 0.00001.

Submission:

Labcorp Genetics (formerly Invitae), Labcorp
Classification: Uncertain significance for Progressive encephalopathy with leukodystrophy due to DECR deficiency. Last evaluated: 2023-10-22. Review status: criteria provided, single submitter. Criteria: Invitae Variant Classification Sherloc (09022015). Collection method: clinical testing. Allele origin: germline.
Comment: This sequence change replaces arginine, which is basic and polar, with glutamine, which is neutral and polar, at codon 24 of the NADK2 protein (p.Arg24Gln). This variant is not present in population databases (gnomAD no frequency). This variant has not been reported in the literature in individuals affected with NADK2-related conditions. An algorithm developed to predict the effect of missense changes on protein structure and function (PolyPhen-2) suggests that this variant is likely to be tolerated. In summary, the available evidence is currently insufficient to determine the role of this variant in disease. Therefore, it has been classified as a Variant of Uncertain Significance.

NM_001085411.3(NADK2):c.71G>A (p.Arg24Gln)

Genes: NADK2 (NAD kinase 2, mitochondrial; minus strand), LOC129993801 (ATAC-STARR-seq lymphoblastoid silent region 15972; plus strand). Cytogenetic location: 5p13.2.
Variant type: single nucleotide variant.
Coding change: c.71G>A on transcript NM_001085411.3 (MANE Select); coding-DNA position 71, G replaced by A.
Protein change: p.Arg24Gln; replaces arginine 24 with glutamine.
Molecular consequence: missense variant. On other transcripts: intron variant (2).
Genome position (GRCh38, 1-based): chr5:36,241,728, C>T on the plus strand (G>A on the coding strand, the complement: NADK2 is on the minus strand). VCF-style: chr5-36241728-C-T. GRCh37 (hg19) VCF-style: chr5-36241830-C-T.
Other names: c.-190+368G>A (NM_153013.5, NM_001287341.2); short protein forms R24Q.
Identifiers: ClinVar variation 2843973 (VCV002843973.3), dbSNP rs941754891, ClinGen allele CA117008060.